The following is an entry in ClinVar:

ClinVar aggregate classification (germline): Uncertain significance (1 of 4 stars; one submission).

Conditions:
Familial adenomatous polyposis 1 (FAP1). Also called: POLYPOSIS, ADENOMATOUS INTESTINAL; FAMILIAL ADENOMATOUS POLYPOSIS 1, ATTENUATED. Identifiers: MedGen C2713442, MONDO:0021056, OMIM 175100. Disease mechanism: loss of function.

Submission:

Labcorp Genetics (formerly Invitae), Labcorp
Classification: Uncertain significance for Familial adenomatous polyposis 1. Last evaluated: 2022-05-02. Review status: criteria provided, single submitter. Criteria: Invitae Variant Classification Sherloc (09022015). Collection method: clinical testing. Allele origin: germline.
Comment: In summary, the available evidence is currently insufficient to determine the role of this variant in disease. Therefore, it has been classified as a Variant of Uncertain Significance. Algorithms developed to predict the effect of missense changes on protein structure and function output the following: SIFT: "Tolerated"; PolyPhen-2: "Benign"; Align-GVGD: "Class C0". The serine amino acid residue is found in multiple mammalian species, which suggests that this missense change does not adversely affect protein function. This variant has not been reported in the literature in individuals affected with APC-related conditions. This variant is not present in population databases (gnomAD no frequency). This sequence change replaces asparagine, which is neutral and polar, with serine, which is neutral and polar, at codon 2700 of the APC protein (p.Asn2700Ser).

NM_000038.6(APC):c.8099A>G (p.Asn2700Ser)

Gene: APC (APC regulator of Wnt signaling pathway; plus strand). Cytogenetic location: 5q22.2.
Variant type: single nucleotide variant.
Coding change: c.8099A>G on transcript NM_000038.6 (MANE Select); coding-DNA position 8099, A replaced by G.
Protein change: p.Asn2700Ser; replaces asparagine 2700 with serine.
Molecular consequence: missense variant.
Genome position (GRCh38, 1-based): chr5:112,843,693, A>G. VCF-style: chr5-112843693-A-G. GRCh37 (hg19) VCF-style: chr5-112179390-A-G.
Other names: c.8099A>G, p.Asn2700Ser (NM_001127510.3, NM_001354895.2, NM_001407450.1); c.8045A>G, p.Asn2682Ser (NM_001127511.3); c.8153A>G, p.Asn2718Ser (NM_001354896.2, NM_001407447.1, NM_001407448.1 and 1 more transcripts); c.8129A>G, p.Asn2710Ser (NM_001354897.2); c.8024A>G, p.Asn2675Ser (NM_001354898.2); c.8015A>G, p.Asn2672Ser (NM_001354899.2); c.7976A>G, p.Asn2659Ser (NM_001354900.2); c.7922A>G, p.Asn2641Ser (NM_001354901.2, NM_001407453.1); and 11 more; short protein forms N2417S, N2693S, N2700S, N2728S, N2609S, N2682S, N2690S, N2316S.
Identifiers: ClinVar variation 2132950 (VCV002132950.4), dbSNP rs2149999227, ClinGen allele CA16038920.